The following is an entry in ClinVar:

NM_005445.4(SMC3):c.2340A>C (p.Glu780Asp)

Gene: SMC3 (structural maintenance of chromosomes 3; plus strand). Cytogenetic location: 10q25.2.
Variant type: single nucleotide variant.
Coding change: c.2340A>C on transcript NM_005445.4 (MANE Select); coding-DNA position 2340, A replaced by C.
Protein change: p.Glu780Asp; replaces glutamic acid 780 with aspartic acid.
Molecular consequence: missense variant.
Genome position (GRCh38, 1-based): chr10:110,599,725, A>C. VCF-style: chr10-110599725-A-C. GRCh37 (hg19) VCF-style: chr10-112359483-A-C.
Other names: short protein forms E780D.
Identifiers: ClinVar variation 986281 (VCV000986281.3), dbSNP rs1861357947, ClinGen allele CA378392625.

ClinVar aggregate classification (germline): Uncertain significance (1 of 4 stars; one submission).

Conditions:
Inborn genetic diseases. Identifiers: MedGen C0950123, MeSH D030342.

Submission:

Ambry Genetics
Classification: Uncertain significance for Inborn genetic diseases. Last evaluated: 2017-09-28. Review status: criteria provided, single submitter. Criteria: Ambry Variant Classification Scheme 2023. Collection method: clinical testing. Allele origin: germline.
Comment: The p.E780D variant (also known as c.2340A>C), located in coding exon 21 of the SMC3 gene, results from an A to C substitution at nucleotide position 2340. The glutamic acid at codon 780 is replaced by aspartic acid, an amino acid with highly similar properties. This amino acid position is highly conserved in available vertebrate species. In addition, the in silico prediction for this alteration is inconclusive. Since supporting evidence is limited at this time, the clinical significance of this alteration remains unclear.